The following is an entry in ClinVar:

NM_021076.4(NEFH):c.2115_2132del (p.Glu706_Pro711del)

Gene: NEFH (neurofilament heavy chain; plus strand). Cytogenetic location: 22q12.2.
Variant type: Deletion.
Coding change: c.2115_2132del on transcript NM_021076.4 (MANE Select); coding-DNA positions 2115 to 2132, 18 bases deleted (TGAGAAGGCCAAGTCCCC).
Protein change: p.Glu706_Pro711del.
Molecular consequence: inframe deletion.
Genome position (GRCh38, 1-based): chr22:29,489,755-29,489,772, TGAGAAGGCCAAGTCCCC deleted; deleting any 18 consecutive bases within chr22:29,489,747-29,489,772 gives the same sequence; the c. name uses the placement nearest the transcript's 3' end. VCF-style (leftmost placement, unchanged base first): chr22-29489746-AAAGTCCCCTGAGAAGGCC-A. GRCh37 (hg19) VCF-style: chr22-29885735-AAAGTCCCCTGAGAAGGCC-A.
Other names: c.2115_2132del18 (NM_021076.4).
Identifiers: ClinVar variation 4689645 (VCV004689645.1).
Genomic context (GRCh38, chr22:29,489,746, plus strand): 5'-CCCAGTGAAGGCAGAAGCAAAGTCCCCTGAGAAGGCCAAGTCCCCAGTGAAGGAAGAAGC[AAAGTCCCCTGAGAAGGCC>A]AAGTCCCCAGTGAAGGAAGAAGCAAAGTCCCCTGAGAAGGCCAAGTCCCCAGTGAAGGAA-3'

ClinVar aggregate classification (germline): Uncertain significance (1 of 4 stars; one submission).

Submission:

Women's Health and Genetics/Laboratory Corporation of America, LabCorp
Classification: Uncertain significance. Last evaluated: 2026-01-05. Review status: criteria provided, single submitter. Criteria: LabCorp Variant Classification Summary - May 2015. Collection method: clinical testing. Allele origin: germline.
Comment: Variant summary: NEFH c.2115_2132del18 (p.Glu706_Pro711del) results in an in-frame deletion that is predicted to remove six amino acids from the encoded protein. The variant was absent in 249596 control chromosomes. The available data on variant occurrences in the general population are insufficient to allow any conclusion about variant significance. To our knowledge, no occurrence of c.2115_2132del18 in individuals affected with NEFH-related conditions and no experimental evidence demonstrating its impact on protein function have been reported. No submitters have cited clinical-significance assessments for this variant to ClinVar. Based on the evidence outlined above, the variant was classified as uncertain significance.